The following is an entry in ClinVar:

NM_004629.2(FANCG):c.420C>A (p.His140Gln)

Gene: FANCG (FA complementation group G; minus strand). Cytogenetic location: 9p13.3.
Variant type: single nucleotide variant.
Coding change: c.420C>A on transcript NM_004629.2 (MANE Select); coding-DNA position 420, C replaced by A.
Protein change: p.His140Gln; replaces histidine 140 with glutamine.
Molecular consequence: missense variant.
Genome position (GRCh38, 1-based): chr9:35,078,231, G>T on the plus strand (C>A on the coding strand, the complement: FANCG is on the minus strand). VCF-style: chr9-35078231-G-T. GRCh37 (hg19) VCF-style: chr9-35078228-G-T.
Other names: short protein forms H140Q.
Identifiers: ClinVar variation 2179877 (VCV002179877.1), dbSNP rs764566651, ClinGen allele CA5040050.

ClinVar aggregate classification (germline): Uncertain significance (1 of 4 stars; one submission).

Conditions:
Fanconi anemia (FA). Also called: Fanconi's anemia. Identifiers: Orphanet 84, MedGen C0015625, MeSH D005199, MONDO:0019391.

Allele frequency attached by ClinVar (database versions not stated): ExAC 0.00007.
gnomAD v4.1: 9 of 1,614,178 alleles (0.00056%); highest among the groups gnomAD compares: East Asian, 0.02%; no homozygotes.

Submission:

Labcorp Genetics (formerly Invitae), Labcorp
Classification: Uncertain significance for Fanconi anemia. Last evaluated: 2022-09-07. Review status: criteria provided, single submitter. Criteria: Invitae Variant Classification Sherloc (09022015). Collection method: clinical testing. Allele origin: germline.
Comment: This sequence change replaces histidine, which is basic and polar, with glutamine, which is neutral and polar, at codon 140 of the FANCG protein (p.His140Gln). This variant is present in population databases (rs764566651, gnomAD 0.08%). This variant has not been reported in the literature in individuals affected with FANCG-related conditions. Algorithms developed to predict the effect of missense changes on protein structure and function are either unavailable or do not agree on the potential impact of this missense change (SIFT: "Tolerated"; PolyPhen-2: "Probably Damaging"; Align-GVGD: "Class C0"). In summary, the available evidence is currently insufficient to determine the role of this variant in disease. Therefore, it has been classified as a Variant of Uncertain Significance.